The following is an entry in ClinVar:

NM_000180.4(GUCY2D):c.1714G>C (p.Ala572Pro)

Gene: GUCY2D (guanylate cyclase 2D, retinal; plus strand). Cytogenetic location: 17p13.1.
Variant type: single nucleotide variant.
Coding change: c.1714G>C on transcript NM_000180.4 (MANE Select); coding-DNA position 1714, G replaced by C.
Protein change: p.Ala572Pro; replaces alanine 572 with proline.
Molecular consequence: missense variant.
Genome position (GRCh38, 1-based): chr17:8,009,551, G>C. VCF-style: chr17-8009551-G-C. GRCh37 (hg19) VCF-style: chr17-7912869-G-C.
Other names: short protein forms A572P.
Identifiers: ClinVar variation 2054169 (VCV002054169.2), dbSNP rs778664525, ClinGen allele CA8365859.

ClinVar aggregate classification (germline): Uncertain significance. Review status: criteria provided, multiple submitters, no conflicts (2 of 4 stars). 2 submissions from 2 submitters: Uncertain significance (2). Last evaluated 2022-09-07.

Conditions:
Leber congenital amaurosis 1 (LCA1). Also called: AMAUROSIS CONGENITA OF LEBER I; Congenital absence of the rods and cones; Leber's congenital tapetoretinal degeneration; Leber's congenital tapetoretinal dysplasia; RETINAL BLINDNESS, CONGENITAL. Identifiers: Orphanet 65, MedGen C2931258, MONDO:0008764, OMIM 204000.
Cone-rod dystrophy 6 (CORD6). Also called: RETINAL CONE DYSTROPHY 2; Cone dystrophy progressive. Identifiers: Orphanet 1872, MedGen C1866293, MONDO:0011143, OMIM 601777.

Allele frequency attached by ClinVar (database versions not stated): gnomAD exomes below 0.00001; TOPMed below 0.00001; gnomAD 0.00001; ExAC 0.00002.

Submissions (2):

Blueprint Genetics
Classification: Uncertain significance. Last evaluated: 2022-09-07. Review status: criteria provided, single submitter. Criteria: ACMG Guidelines, 2015. Collection method: clinical testing. Allele origin: germline.

Labcorp Genetics (formerly Invitae), Labcorp
Classification: Uncertain significance for Leber congenital amaurosis 1; Cone-rod dystrophy 6. Last evaluated: 2022-08-22. Review status: criteria provided, single submitter. Criteria: Invitae Variant Classification Sherloc (09022015). Collection method: clinical testing. Allele origin: germline.
Comment: This sequence change replaces alanine, which is neutral and non-polar, with proline, which is neutral and non-polar, at codon 572 of the GUCY2D protein (p.Ala572Pro). This variant is present in population databases (rs778664525, gnomAD 0.002%). This variant has not been reported in the literature in individuals affected with GUCY2D-related conditions. Algorithms developed to predict the effect of missense changes on protein structure and function are either unavailable or do not agree on the potential impact of this missense change (SIFT: "Deleterious"; PolyPhen-2: "Possibly Damaging"; Align-GVGD: "Class C0"). In summary, the available evidence is currently insufficient to determine the role of this variant in disease. Therefore, it has been classified as a Variant of Uncertain Significance.